The following is an entry in ClinVar:

ClinVar aggregate classification (germline): Pathogenic (1 of 4 stars; one submission).

Conditions:
Multiple congenital anomalies-hypotonia-seizures syndrome 1 (MCAHS1). Also called: PIGN-CDG; Congenital disorder of glycosylation due to PIGN deficiency; GLYCOSYLPHOSPHATIDYLINOSITOL BIOSYNTHESIS DEFECT 3. Identifiers: Orphanet 280633, MedGen C3279775, MONDO:0013563, OMIM 614080.

Allele frequency attached by ClinVar (database versions not stated): gnomAD exomes below 0.00001 and 0.00001.

Submission:

Labcorp Genetics (formerly Invitae), Labcorp
Classification: Pathogenic for Multiple congenital anomalies-hypotonia-seizures syndrome 1. Last evaluated: 2023-08-30. Review status: criteria provided, single submitter. Criteria: Invitae Variant Classification Sherloc (09022015). Collection method: clinical testing. Allele origin: germline.
Comment: For these reasons, this variant has been classified as Pathogenic. ClinVar contains an entry for this variant (Variation ID: 935634). This variant has not been reported in the literature in individuals affected with PIGN-related conditions. This variant is present in population databases (no rsID available, gnomAD 0.009%). This sequence change creates a premature translational stop signal (p.Ala496Hisfs*5) in the PIGN gene. It is expected to result in an absent or disrupted protein product. Loss-of-function variants in PIGN are known to be pathogenic (PMID: 24253414, 27038415).

Literature cited by the submitters: PubMed 24253414; PubMed 27038415.

NM_176787.5(PIGN):c.1485del (p.Ala496fs)

Gene: PIGN (phosphatidylinositol glycan anchor biosynthesis class N; minus strand). Cytogenetic location: 18q21.33.
Variant type: Deletion.
Coding change: c.1485del on transcript NM_176787.5 (MANE Select); coding-DNA position 1485, one base deleted (A; older notation c.1485delA).
Protein change: p.Ala496fs; shifts the reading frame from alanine 496.
Molecular consequence: frameshift variant.
Genome position (GRCh38, 1-based): chr18:62,109,923, T deleted on the plus strand (A on the coding strand, the reverse complement: PIGN is on the minus strand). VCF-style (leftmost placement, unchanged base first): chr18-62109922-CT-C. GRCh37 (hg19) VCF-style: chr18-59777155-CT-C.
Other names: c.1485del, p.Ala496fs (NM_012327.6); short protein forms A496fs.
Identifiers: ClinVar variation 935634 (VCV000935634.7), dbSNP rs1568185349, ClinGen allele CA630108845.